The following is an entry in ClinVar:

ClinVar aggregate classification (germline): Benign. Review status: criteria provided, multiple submitters, no conflicts (2 of 4 stars). 3 submissions from 3 submitters: Benign (2). 1 of the submissions does not count toward it. Last evaluated 2019-12-31.

Conditions:
DNAH2-related disorder. Also called: DNAH2-related condition.

Allele frequency attached by ClinVar (database versions not stated): 1000 Genomes Project 0.00899; 1000 Genomes Project 30x 0.00999; ESP Exome Variant Server 0.00062; gnomAD 0.00316; TOPMed 0.00605.

Submissions (3):

Labcorp Genetics (formerly Invitae), Labcorp
Classification: Benign. Last evaluated: 2019-12-31. Review status: criteria provided, single submitter. Criteria: Invitae Variant Classification Sherloc (09022015). Collection method: clinical testing. Allele origin: germline.

Breakthrough Genomics
Classification: Benign. Review status: criteria provided, single submitter. Criteria: ACMG Guidelines, 2015. Collection method: not provided. Allele origin: germline. Inheritance: Autosomal recessive inheritance. Affected: yes.

PreventionGenetics, part of Exact Sciences
Classification: Likely benign for DNAH2-related condition. Last evaluated: 2020-01-20. Review status: no assertion criteria provided. Collection method: clinical testing. Allele origin: germline. Not counted in ClinVar's aggregate classification.
Comment: This variant is classified as likely benign based on ACMG/AMP sequence variant interpretation guidelines (Richards et al. 2015 PMID: 25741868, with internal and published modifications).

NM_020877.5(DNAH2):c.11478+3C>G

Gene: DNAH2 (dynein axonemal heavy chain 2; plus strand). Cytogenetic location: 17p13.1.
Variant type: single nucleotide variant.
Coding change: c.11478+3C>G on transcript NM_020877.5 (MANE Select); 3 bases into the intron after coding-DNA position 11478, C replaced by G.
Molecular consequence: intron variant.
Genome position (GRCh38, 1-based): chr17:7,823,985, C>G. VCF-style: chr17-7823985-C-G. GRCh37 (hg19) VCF-style: chr17-7727303-C-G.
Identifiers: ClinVar variation 784666 (VCV000784666.7), dbSNP rs143935675, ClinGen allele CA8359467.